The following is an entry in ClinVar:

NM_005591.4(MRE11):c.1997G>A (p.Trp666Ter)

Gene: MRE11 (MRE11 double strand break repair nuclease; minus strand). Cytogenetic location: 11q21.
Variant type: single nucleotide variant.
Coding change: c.1997G>A on transcript NM_005591.4 (MANE Select); coding-DNA position 1997, G replaced by A.
Protein change: p.Trp666Ter; replaces tryptophan 666 with a stop codon.
Molecular consequence: nonsense.
Genome position (GRCh38, 1-based): chr11:94,429,984, C>T on the plus strand (G>A on the coding strand, the complement: MRE11 is on the minus strand). VCF-style: chr11-94429984-C-T. GRCh37 (hg19) VCF-style: chr11-94163150-C-T.
Other names: c.1994G>A, p.Trp665Ter (NM_001330347.2); c.1913G>A, p.Trp638Ter (NM_005590.4); short protein forms W638*, W665*, W666*.
Identifiers: ClinVar variation 1800260 (VCV001800260.3), dbSNP rs2496166703, ClinGen allele CA382373588.

ClinVar aggregate classification (germline): Pathogenic (1 of 4 stars; one submission).

Conditions:
Hereditary cancer-predisposing syndrome. Also called: Neoplastic Syndromes, Hereditary; Tumor predisposition; Hereditary Cancer Syndrome; Hereditary neoplastic syndrome. Identifiers: Orphanet 140162, MedGen C0027672, MeSH D009386, MONDO:0015356.

Submission:

Ambry Genetics
Classification: Pathogenic for Hereditary cancer-predisposing syndrome. Last evaluated: 2023-07-07. Review status: criteria provided, single submitter. Criteria: Ambry Variant Classification Scheme 2023. Collection method: clinical testing. Allele origin: germline.
Comment: The p.W666* pathogenic mutation (also known as c.1997G>A), located in coding exon 18 of the MRE11A gene, results from a G to A substitution at nucleotide position 1997. This changes the amino acid from a tryptophan to a stop codon within coding exon 18. This alteration is expected to result in loss of function by premature protein truncation or nonsense-mediated mRNA decay. As such, this alteration is interpreted as a disease-causing mutation.